The following is an entry in ClinVar:

NM_000784.4(CYP27A1):c.1415G>C (p.Gly472Ala)

Gene: CYP27A1 (cytochrome P450 family 27 subfamily A member 1; plus strand). Cytogenetic location: 2q35.
Variant type: single nucleotide variant.
Coding change: c.1415G>C on transcript NM_000784.4 (MANE Select); coding-DNA position 1415, G replaced by C.
Protein change: p.Gly472Ala; replaces glycine 472 with alanine.
Molecular consequence: missense variant.
Genome position (GRCh38, 1-based): chr2:218,814,696, G>C. VCF-style: chr2-218814696-G-C. GRCh37 (hg19) VCF-style: chr2-219679419-G-C.
Other names: c.1415G>C; short protein forms G472A.
Identifiers: ClinVar variation 65851 (VCV000065851.27), dbSNP rs200883871, ClinGen allele CA345181.
Genomic context (GRCh38, chr2:218,814,696, plus strand): 5'-ACAGCCAGCCTGCTACCCCCAGGATCCAGCACCCATTTGGCTCTGTGCCCTTTGGCTATG[G>C]GGTCCGGGCCTGCCTGGGCCGCAGGATTGCAGAGCTGGAGATGCAGCTACTCCTCGCAAG-3'
Protein context (NP_000775.1, residues 462-482): HPFGSVPFGY[Gly472Ala]VRACLGRRIA

ClinVar aggregate classification (germline): Conflicting classifications of pathogenicity. Review status: criteria provided, conflicting classifications (1 of 4 stars). 13 submissions from 13 submitters: Pathogenic (1); Likely pathogenic (10); Uncertain significance (1). 1 of the submissions does not count toward it. Last evaluated 2026-06-01.

Conditions:
CYP27A1-related disorder. Also called: CYP27A1-related condition.
Cholestanol storage disease (CTX). Also called: Cerebrotendinous Xanthomatosis; CEREBRAL CHOLESTERINOSIS; CTX: Cerebrotendinous xanthomatosis. Identifiers: Orphanet 909, MedGen C0238052, MONDO:0008948, OMIM 213700.

Allele frequency attached by ClinVar (database versions not stated): TOPMed 0.00005; ExAC 0.00007; gnomAD exomes 0.00011 and 0.00002; gnomAD 0.00001 and 0.00003; 1000 Genomes Project 0.00040; 1000 Genomes Project 30x 0.00047.
gnomAD v4.1: 36 of 1,614,186 alleles (0.0022%); highest among the groups gnomAD compares: East Asian, 0.071%; no homozygotes.

Submissions (13):

Myriad Genetics, Inc.
Classification: Likely pathogenic for Cholestanol storage disease. Last evaluated: 2026-06-01. Review status: criteria provided, single submitter. Criteria: Myriad Autosomal Dominant, Autosomal Recessive and X-Linked Classification Criteria (2023). Collection method: clinical testing. Allele origin: unknown.
Comment: NM_000784.3(CYP27A1):c.1415G>C(G472A) is a missense variant classified as likely pathogenic in the context of cerebrotendinous xanthomatosis. G472A has been observed in cases with relevant disease (PMID: 10775536, 31743419, 38637260, 37656460, 34145886). Relevant functional assessments of this variant are available in the literature (PMID: 34930075). G472A has been observed in referenced population frequency databases. In summary, NM_000784.3(CYP27A1):c.1415G>C(G472A) is a missense variant that has been observed more frequently in cases with the relevant disease than in healthy populations. Please note: this variant was assessed in the context of healthy population screening.

Labcorp Genetics (formerly Invitae), Labcorp
Classification: Pathogenic for Cholestanol storage disease. Last evaluated: 2025-12-09. Review status: criteria provided, single submitter. Criteria: Invitae Variant Classification Sherloc (09022015). Collection method: clinical testing. Allele origin: germline.
Comment: This sequence change replaces glycine, which is neutral and non-polar, with alanine, which is neutral and non-polar, at codon 472 of the CYP27A1 protein (p.Gly472Ala). This variant is present in population databases (rs200883871, gnomAD 0.1%), including at least one homozygous and/or hemizygous individual. This missense change has been observed in individual(s) with clinical or biochemical features of CYP27A1-related conditions (PMID: 10775536, 31743419, 32523054, 34145886). In at least one individual the data is consistent with being in trans (on the opposite chromosome) from a pathogenic variant. ClinVar contains an entry for this variant (Variation ID: 65851). Invitae Evidence Modeling of protein sequence and biophysical properties (such as structural, functional, and spatial information, amino acid conservation, physicochemical variation, residue mobility, and thermodynamic stability) indicates that this missense variant is expected to disrupt CYP27A1 protein function with a positive predictive value of 95%. Experimental studies have shown that this missense change affects CYP27A1 function (PMID: 34930075). This variant disrupts the p.Gly472 amino acid residue in CYP27A1. Other variant(s) that disrupt this residue have been determined to be pathogenic (internal data). This suggests that this residue is clinically significant, and that variants that disrupt this residue are likely to be disease-causing. For these reasons, this variant has been classified as Pathogenic.

PreventionGenetics, part of Exact Sciences
Classification: Likely pathogenic for CYP27A1-related condition. Last evaluated: 2025-11-19. Review status: criteria provided, single submitter. Criteria: ACMG Guidelines, 2015. Collection method: clinical testing. Allele origin: germline.
Comment: The CYP27A1 c.1415G>C variant is predicted to result in the amino acid substitution p.Gly472Ala. This variant has been reported with a second CYP27A1 variant in individuals with CYP27A1-related disease (see, for example: Guan et al. 2020. PubMed ID: 31743419; Hong et al. 2020. PubMed ID: 32523054; DeBarber et al. 2024. PubMed ID: 38637260). It has also been reported in the homozygous state in an individual with cerebrotendinous xanthomatosis who carried another pathogenic CYP27A1 variant (Verrips et al. 2000. PubMed ID: 10775536). In addition, this variant has been reported in the heterozygous state in an individual with intrahepatic cholestasis of pregnancy (Xin et al. 2022. PubMed ID: 34930075). The results of in vitro experimental studies are inconclusive (Xin et al. 2022. PubMed ID: 34930075). This variant is reported in 0.15% of alleles in individuals of East Asian descent in gnomAD, including one homozygous individual. Another variant affecting the same amino acid (p.Gly472Val) has been reported in an individual with cerebrotendinous xanthomatosis (Freedman et al. 2019. PubMed ID: 31536098). The p.Gly472Ala variant is interpreted as likely pathogenic.

Natera, Inc.
Classification: Likely pathogenic for Cerebrotendinous xanthomatosis. Last evaluated: 2025-08-14. Review status: criteria provided, single submitter. Criteria: Natera Variant Classification Schema (03/2026). Collection method: clinical testing. Allele origin: germline.
Comment: The c.1415G>C variant in CYP27A1 is a missense variant predicted to cause substitution of glycine to alanine at amino acid 472. This variant is rare in the general population with a frequency below the threshold expected for the associated phenotype(s). This variant has been observed in at least one unaffected individual, with a zygosity that is consistent with the inheritance pattern for the associated condition (in gnomAD and/or literature). This variant has been observed in one or more individuals affected with the associated recessive disease, as either homozygous or compound heterozygous with a second variant (PMID: 38637260, 37656460, 31743419, 32523054). Computational prediction algorithms indicate this variant is likely to affect gene or protein function. Given the available evidence, this variant is classified as Likely Pathogenic.

GeneDx
Classification: Likely pathogenic. Last evaluated: 2025-07-28. Review status: criteria provided, single submitter. Criteria: GeneDx Variant Classification Process June 2021. Collection method: clinical testing. Allele origin: germline. Affected: yes.
Comment: Observed multiple times with a second CYP27A1 variant in unrelated patients in published literature, but it is not known whether the variants occurred on the same (in cis) or on different (in trans) chromosomes some cases (PMID: 34145886, 32523054); In silico analysis supports that this missense variant has a deleterious effect on protein structure/function; This variant is associated with the following publications: (PMID: 31743419, 26643207, 32344004, 36650582, 34930075, 34145886, 32523054, 31796091, 38637260, 35460704, 38167091, 10775536)

Revvity Omics, Revvity
Classification: Likely pathogenic for Cholestanol storage disease. Last evaluated: 2024-06-03. Review status: criteria provided, single submitter. Criteria: ACMG Guidelines, 2015. Collection method: clinical testing. Allele origin: germline.

Fulgent Genetics
Classification: Likely pathogenic for Cholestanol storage disease. Last evaluated: 2024-01-30. Review status: criteria provided, single submitter. Criteria: ACMG Guidelines, 2015. Collection method: clinical testing. Allele origin: germline.

Women's Health and Genetics/Laboratory Corporation of America, LabCorp
Classification: Likely pathogenic for Cholestanol storage disease. Last evaluated: 2023-12-13. Review status: criteria provided, single submitter. Criteria: LabCorp Variant Classification Summary - May 2015. Collection method: clinical testing. Allele origin: germline.
Comment: Variant summary: CYP27A1 c.1415G>C (p.Gly472Ala) results in a non-conservative amino acid change in the encoded protein sequence. Five of five in-silico tools predict a damaging effect of the variant on protein function. The variant allele was found at a frequency of 0.00011 in 250478 control chromosomes in the gnomAD database, including 1 homozygotes. This frequency is not significantly higher than estimated for a pathogenic variant in CYP27A1 causing Cerebrotendinous Xanthomatosis (0.00011 vs 0.0011), allowing no conclusion about variant significance. c.1415G>C has been reported in the literature as a homozygous or compound heterozygous biallelic genotype in individuals of Chinese/East Asian ethnicity affected with features of Cerebrotendinous Xanthomatosis/epilepsy/Autosomal recessive spinocerebellar ataxia (example, Verrips_2000, Tao_2019, Guan_2020, Hong_2020, Zou_2021). These data indicate that the variant is likely to be associated with disease. At least one publication reports experimental evidence evaluating an impact on protein function, however, does not allow convincing conclusions about the variant effect (Xin_2022). The following publications have been ascertained in the context of this evaluation (PMID: 31743419, 32523054, 31796091, 10775536, 34930075, 34145886). Four submitters have cited clinical-significance assessments for this variant to ClinVar after 2014: three submitters classified the variant as pathogenic/likely pathogenic while one classified as VUS. Based on the evidence outlined above, the variant was classified as likely pathogenic.

3billion
Classification: Likely pathogenic for Cholestanol storage disease. Last evaluated: 2022-05-22. Review status: criteria provided, single submitter. Criteria: ACMG Guidelines, 2015. Collection method: clinical testing. Allele origin: germline. Affected: yes. Observed: 1 heterozygote.
Comment: The variant is observed at an extremely low frequency in the gnomAD v2.1.1 dataset (total allele frequency: 0.010%). Protein truncation variants are a common disease-causing mechanism. In silico tool predictions suggest damaging effect of the variant on gene or gene product (REVEL: 1.00; 3Cnet: 0.79). Same nucleotide change resulting in same amino acid change has been previously reported as pathogenic/likely pathogenic with strong evidence (ClinVar ID: VCV000065851). The variant has been reported to be in trans with a pathogenic variant as either compound heterozygous or homozygous in at least one similarly affected unrelated individual (PMID: 32523054). Therefore, this variant is classified as likely pathogenic according to the recommendation of ACMG/AMP guideline.

Genome-Nilou Lab
Classification: Likely pathogenic for Cholestanol storage disease. Last evaluated: 2021-07-22. Review status: criteria provided, single submitter. Criteria: ACMG Guidelines, 2015. Collection method: clinical testing. Allele origin: germline. Affected: no.

Department of Pathology and Laboratory Medicine, Sinai Health System
Classification: Uncertain significance for cerebrotendinous xanthomatosis. Last evaluated: 2020-08-13. Review status: criteria provided, single submitter. Criteria: ACMG Guidelines, 2015. Collection method: research. Allele origin: germline.

Juno Genomics, Hangzhou Juno Genomics, Inc
Classification: Likely pathogenic for Cholestanol storage disease. Review status: criteria provided, single submitter. Criteria: ACMG Guidelines, 2015. Collection method: clinical testing. Allele origin: germline.
Comment: Absent from controls (or at extremely low frequency if recessive) in Genome Aggregation Database.;Multiple lines of computational evidence support a deleterious effect on the gene or gene product.;For recessive disorders, detected in trans with a pathogenic variant.;Patient's phenotype or family history is highly specific for a disease with a single genetic etiology.

GeneReviews
Classification: Pathogenic for Cerebrotendinous Xanthomatosis. Last evaluated: 2013-08-01. Review status: no assertion criteria provided. Collection method: curation. Allele origin: unknown. Not counted in ClinVar's aggregate classification.
ClinVar note: Converted during submission from pathologic to Pathogenic.

Literature cited by the submitters: PubMed 10775536 (cited by 3 submitters); PubMed 31743419 (cited by 4 submitters); PubMed 34145886 (cited by 3 submitters); PubMed 34930075 (cited by 3 submitters); PubMed 37656460 (cited by Myriad Genetics, Inc. and Natera, Inc.); PubMed 38637260 (cited by Myriad Genetics, Inc. and Natera, Inc.); PubMed 32523054 (cited by 4 submitters); PubMed 31796091 (cited by Women's Health and Genetics/Laboratory Corporation of America, LabCorp).